The following is an entry in ClinVar:

ClinVar aggregate classification (germline): Uncertain significance. Review status: criteria provided, multiple submitters, no conflicts (2 of 4 stars). 3 submissions from 3 submitters: Uncertain significance (3). Last evaluated 2026-01-25.

Conditions:
Hypertrophic cardiomyopathy. Also called: HYPERTROPHIC MYOCARDIOPATHY. Identifiers: Orphanet 217569, MedGen C0007194, MeSH D002312, MONDO:0005045, HP:0001639.
Cardiovascular phenotype. Identifiers: MedGen CN230736.
Cardiomyopathy (CMYO). Also called: Cardiomyopathies. Identifiers: Orphanet 167848, MedGen C0878544, MONDO:0004994, HP:0001638. Inheritance: Various modes of inheritance.

Allele frequency attached by ClinVar (database versions not stated): gnomAD exomes below 0.00001 and 0.00001; TOPMed 0.00001; ExAC 0.00002; gnomAD 0.00002 and 0.00003.
gnomAD v4.1: 8 of 1,614,134 alleles (0.0005%); highest among the groups gnomAD compares: East Asian, 0.0045%; no homozygotes.

Submissions (3):

Labcorp Genetics (formerly Invitae), Labcorp
Classification: Uncertain significance for Hypertrophic cardiomyopathy. Last evaluated: 2026-01-25. Review status: criteria provided, single submitter. Criteria: Invitae Variant Classification Sherloc (09022015). Collection method: clinical testing. Allele origin: germline.
Comment: This sequence change replaces arginine, which is basic and polar, with cysteine, which is neutral and slightly polar, at codon 1897 of the MYH7 protein (p.Arg1897Cys). This variant is present in population databases (rs756655803, gnomAD 0.01%). This missense change has been observed in individual(s) with dilated cardiomyopathy (PMID: 33996946). ClinVar contains an entry for this variant (Variation ID: 920238). Invitae Evidence Modeling of protein sequence and biophysical properties (such as structural, functional, and spatial information, amino acid conservation, physicochemical variation, residue mobility, and thermodynamic stability) indicates that this missense variant is expected to disrupt MYH7 protein function with a positive predictive value of 95%. In summary, the available evidence is currently insufficient to determine the role of this variant in disease. Therefore, it has been classified as a Variant of Uncertain Significance.

Ambry Genetics
Classification: Uncertain significance for Cardiovascular phenotype. Last evaluated: 2025-04-13. Review status: criteria provided, single submitter. Criteria: Ambry Variant Classification Scheme 2023. Collection method: clinical testing. Allele origin: germline.
Comment: The p.R1897C variant (also known as c.5689C>T), located in coding exon 37 of the MYH7 gene, results from a C to T substitution at nucleotide position 5689. The arginine at codon 1897 is replaced by cysteine, an amino acid with highly dissimilar properties. This variant was reported in individual(s) with features consistent with dilated cardiomyopathy (Xiao L et al. Front Cardiovasc Med. 2021 Apr;8:657689). This amino acid position is highly conserved in available vertebrate species. In addition, this alteration is predicted to be deleterious by in silico analysis. Based on the available evidence, the clinical significance of this variant remains unclear.

Color Diagnostics, LLC DBA Color Health
Classification: Uncertain significance for Cardiomyopathy. Last evaluated: 2023-12-05. Review status: criteria provided, single submitter. Criteria: ACMG Guidelines, 2015. Collection method: clinical testing. Allele origin: germline.
Comment: This missense variant replaces arginine with cysteine at codon 1897 of the MYH7 protein. Computational prediction suggests that this variant may have deleterious impact on protein structure and function (internally defined REVEL score threshold >= 0.7, PMID: 27666373). To our knowledge, functional studies have not been reported for this variant. This variant has not been reported in individuals affected with MYH7-related disorders in the literature. This variant has been identified in 3/282870 chromosomes in the general population by the Genome Aggregation Database (gnomAD). The available evidence is insufficient to determine the role of this variant in disease conclusively. Therefore, this variant is classified as a Variant of Uncertain Significance.

Literature cited by the submitters: PubMed 33996946 (cited by Labcorp Genetics (formerly Invitae), Labcorp and Ambry Genetics).

NM_000257.4(MYH7):c.5689C>T (p.Arg1897Cys)

Gene: MYH7 (myosin heavy chain 7; minus strand). Cytogenetic location: 14q11.2.
Variant type: single nucleotide variant.
Coding change: c.5689C>T on transcript NM_000257.4 (MANE Select); coding-DNA position 5689, C replaced by T.
Protein change: p.Arg1897Cys; replaces arginine 1897 with cysteine.
Molecular consequence: missense variant.
Genome position (GRCh38, 1-based): chr14:23,413,860, G>A on the plus strand (C>T on the coding strand, the complement: MYH7 is on the minus strand). VCF-style: chr14-23413860-G-A. GRCh37 (hg19) VCF-style: chr14-23883069-G-A.
Other names: short protein forms R1897C.
Identifiers: ClinVar variation 920238 (VCV000920238.12), dbSNP rs756655803, ClinGen allele CA047983.